The following is an entry in ClinVar:

ClinVar aggregate classification (germline): Likely benign (1 of 4 stars; one submission).

Submission:

CeGaT Center for Human Genetics Tuebingen
Classification: Likely benign. Last evaluated: 2026-05-01. Review status: criteria provided, single submitter. Criteria: CeGaT Center For Human Genetics Tuebingen Variant Classification Criteria Version 2. Collection method: clinical testing. Allele origin: germline. Affected: yes. Observed: 1 variant allele.
Comment: B3GNT2: PM2:Supporting, BP4, BP7

NM_006577.6(B3GNT2):c.993T>C (p.Ile331=)

Gene: B3GNT2 (UDP-GlcNAc:betaGal beta-1,3-N-acetylglucosaminyltransferase 2; plus strand). Cytogenetic location: 2p15.
Variant type: single nucleotide variant.
Coding change: c.993T>C on transcript NM_006577.6 (MANE Select); coding-DNA position 993, T replaced by C.
Protein change: p.Ile331=; no amino-acid change (isoleucine 331 retained).
Molecular consequence: synonymous variant.
Genome position (GRCh38, 1-based): chr2:62,223,213, T>C. VCF-style: chr2-62223213-T-C. GRCh37 (hg19) VCF-style: chr2-62450348-T-C.
Other names: c.993T>C, p.Ile331= (NM_001319075.2).
Identifiers: ClinVar variation 4873130 (VCV004873130.2).
Genomic context (GRCh38, chr2:62,223,213, plus strand): 5'-CTCCGGCCACCTGGCCCTGAGGCTGTACCATATCACTGACCAGGTCCATCTCTACCCCAT[T>C]GATGACGTTTATACTGGAATGTGCCTTCAGAAACTCGGCCTCGTTCCAGAGAAACACAAA-3'
Protein context (NP_006568.2, residues 321-341): HITDQVHLYP[Ile331=]DDVYTGMCLQ